The following is an entry in ClinVar:

ClinVar aggregate classification (germline): Uncertain significance. Review status: criteria provided, multiple submitters, no conflicts (2 of 4 stars). 2 submissions from 2 submitters: Uncertain significance (2). Last evaluated 2025-10-30.

Conditions:
Inborn genetic diseases. Identifiers: MedGen C0950123, MeSH D030342.
Sterile multifocal osteomyelitis with periostitis and pustulosis. Also called: CHRONIC RECURRENT MULTIFOCAL OSTEOMYELITIS 2, WITH PERIOSTITIS AND PUSTULOSIS. Identifiers: Orphanet 210115, MedGen C2748507, MONDO:0013021, OMIM 612852.

Allele frequency attached by ClinVar (database versions not stated): gnomAD 0.00001; gnomAD exomes 0.00001; ExAC 0.00002; TOPMed 0.00003.
gnomAD v4.1: 21 of 1,608,458 alleles (0.0013%); highest among the groups gnomAD compares: Middle Eastern, 0.016%; no homozygotes.

Submissions (2):

Ambry Genetics
Classification: Uncertain significance for Inborn genetic diseases. Last evaluated: 2025-10-30. Review status: criteria provided, single submitter. Criteria: Ambry Variant Classification Scheme 2023. Collection method: clinical testing. Allele origin: germline.

Labcorp Genetics (formerly Invitae), Labcorp
Classification: Uncertain significance for Sterile multifocal osteomyelitis with periostitis and pustulosis. Last evaluated: 2024-10-22. Review status: criteria provided, single submitter. Criteria: Invitae Variant Classification Sherloc (09022015). Collection method: clinical testing. Allele origin: germline.
Comment: This sequence change replaces asparagine, which is neutral and polar, with serine, which is neutral and polar, at codon 69 of the IL1RN protein (p.Asn69Ser). This variant is present in population databases (rs761355602, gnomAD 0.02%). This variant has not been reported in the literature in individuals affected with IL1RN-related conditions. ClinVar contains an entry for this variant (Variation ID: 998509). An algorithm developed to predict the effect of missense changes on protein structure and function (PolyPhen-2) suggests that this variant is likely to be tolerated. In summary, the available evidence is currently insufficient to determine the role of this variant in disease. Therefore, it has been classified as a Variant of Uncertain Significance.

NM_173842.3(IL1RN):c.197A>G (p.Asn66Ser)

Gene: IL1RN (interleukin 1 receptor antagonist; plus strand). Cytogenetic location: 2q14.1.
Variant type: single nucleotide variant.
Coding change: c.197A>G on transcript NM_173842.3 (MANE Select); coding-DNA position 197, A replaced by G.
Protein change: p.Asn66Ser; replaces asparagine 66 with serine.
Molecular consequence: missense variant.
Genome position (GRCh38, 1-based): chr2:113,129,656, A>G. VCF-style: chr2-113129656-A-G. GRCh37 (hg19) VCF-style: chr2-113887233-A-G.
Other names: c.206A>G (NM_173841.2); c.143A>G, p.Asn48Ser (NM_000577.5); c.95A>G, p.Asn32Ser (NM_001318914.2, NM_001379360.1, NM_173843.3); c.206A>G, p.Asn69Ser (NM_173841.3); short protein forms N32S, N48S, N66S, N69S.
Identifiers: ClinVar variation 998509 (VCV000998509.9), dbSNP rs761355602, ClinGen allele CA1838804.
Genomic context (GRCh38, chr2:113,129,656, plus strand): 5'-AGACCTTCTATCTGAGGAACAACCAACTAGTTGCTGGATACTTGCAAGGACCAAATGTCA[A>G]TTTAGAAGGTGAGTGGTTGCCAGGAAAGCCAATGTATGTGGGCATCACGTCACTTTGCCC-3'
Protein context (NP_776214.1, residues 56-76): VAGYLQGPNV[Asn66Ser]LEEKIDVVPI